The following is an entry in ClinVar:

NM_001128840.3(CACNA1D):c.689A>G (p.Lys230Arg)

Gene: CACNA1D (calcium voltage-gated channel subunit alpha1 D; plus strand). Cytogenetic location: 3p21.1.
Variant type: single nucleotide variant.
Coding change: c.689A>G on transcript NM_001128840.3 (MANE Select); coding-DNA position 689, A replaced by G.
Protein change: p.Lys230Arg; replaces lysine 230 with arginine.
Molecular consequence: missense variant.
Genome position (GRCh38, 1-based): chr3:53,660,198, A>G. VCF-style: chr3-53660198-A-G. GRCh37 (hg19) VCF-style: chr3-53694225-A-G.
Other names: c.689A>G, p.Lys230Arg (NM_000720.4, NM_001128839.3); short protein forms K230R.
Identifiers: ClinVar variation 1971257 (VCV001971257.6), dbSNP rs1484288914, ClinGen allele CA353382504.

ClinVar aggregate classification (germline): Uncertain significance. Review status: criteria provided, multiple submitters, no conflicts (2 of 4 stars). 2 submissions from 2 submitters: Uncertain significance (2). Last evaluated 2026-08-06.

Conditions:
Aldosterone-producing adenoma with seizures and neurological abnormalities. Also called: Primary aldosteronism, seizures, and neurologic abnormalities. Identifiers: Orphanet 369929, MedGen C3809609, MONDO:0014200, OMIM 615474.

Allele frequency attached by ClinVar (database versions not stated): gnomAD exomes below 0.00001; TOPMed below 0.00001.
gnomAD v4.1: 2 of 1,614,100 alleles (0.00012%); highest among the groups gnomAD compares: Non-Finnish European, 0.00017%; no homozygotes.

Submissions (2):

OLLIN Analises Genomicas, OLLIN
Classification: Uncertain significance for Aldosterone-producing adenoma with seizures and neurological abnormalities. Last evaluated: 2026-08-06. Review status: criteria provided, single submitter. Criteria: ACMG Guidelines 2015 PMID 25741868. Collection method: clinical testing. Allele origin: germline. Inheritance: Autosomal dominant inheritance.
Comment: This missense variant, located in exon 5 (of 48), has been reported in ClinVar (accession VCV001971257.5) and in gnomAD with an allele frequency of 0.00012%. However, to our knowledge, it has not been reported in the scientific literature. In silico analysis predicts that this variant has a deleterious effect. According to the currently available evidence, this variant has been classified as uncertain significance (PM2_P, PP3).

Labcorp Genetics (formerly Invitae), Labcorp
Classification: Uncertain significance. Last evaluated: 2022-01-01. Review status: criteria provided, single submitter. Criteria: Invitae Variant Classification Sherloc (09022015). Collection method: clinical testing. Allele origin: germline.
Comment: In summary, the available evidence is currently insufficient to determine the role of this variant in disease. Therefore, it has been classified as a Variant of Uncertain Significance. Algorithms developed to predict the effect of missense changes on protein structure and function are either unavailable or do not agree on the potential impact of this missense change (SIFT: "Deleterious"; PolyPhen-2: "Probably Damaging"; Align-GVGD: "Class C0"). This variant has not been reported in the literature in individuals affected with CACNA1D-related conditions. This variant is not present in population databases (gnomAD no frequency). This sequence change replaces lysine, which is basic and polar, with arginine, which is basic and polar, at codon 230 of the CACNA1D protein (p.Lys230Arg).